The following is an entry in ClinVar:

NM_206933.4(USH2A):c.6371C>T (p.Thr2124Ile)

Gene: USH2A (usherin; minus strand). Cytogenetic location: 1q41.
Variant type: single nucleotide variant.
Coding change: c.6371C>T on transcript NM_206933.4 (MANE Select); coding-DNA position 6371, C replaced by T.
Protein change: p.Thr2124Ile; replaces threonine 2124 with isoleucine.
Molecular consequence: missense variant.
Genome position (GRCh38, 1-based): chr1:216,000,517, G>A on the plus strand (C>T on the coding strand, the complement: USH2A is on the minus strand). VCF-style: chr1-216000517-G-A. GRCh37 (hg19) VCF-style: chr1-216173859-G-A.
Other names: short protein forms T2124I.
Identifiers: ClinVar variation 1800756 (VCV001800756.1), dbSNP rs1668244656, ClinGen allele CA344861888.

ClinVar aggregate classification (germline): Uncertain significance (1 of 4 stars; one submission).

Submission:

GeneDx
Classification: Uncertain significance. Last evaluated: 2022-05-16. Review status: criteria provided, single submitter. Criteria: GeneDx Variant Classification Process June 2021. Collection method: clinical testing. Allele origin: germline. Affected: yes.
Comment: Not observed at significant frequency in large population cohorts (gnomAD); In silico analysis supports that this missense variant has a deleterious effect on protein structure/function; Has not been previously published as pathogenic or benign to our knowledge